The following is an entry in ClinVar:

NM_001005373.4(LRSAM1):c.1312G>A (p.Asp438Asn)

Gene: LRSAM1 (leucine rich repeat and sterile alpha motif containing 1; plus strand). Cytogenetic location: 9q33.3.
Variant type: single nucleotide variant.
Coding change: c.1312G>A on transcript NM_001005373.4 (MANE Select); coding-DNA position 1312, G replaced by A.
Protein change: p.Asp438Asn; replaces aspartic acid 438 with asparagine.
Molecular consequence: missense variant. On other transcripts: non-coding transcript variant (2).
Genome position (GRCh38, 1-based): chr9:127,487,728, G>A. VCF-style: chr9-127487728-G-A. GRCh37 (hg19) VCF-style: chr9-130250007-G-A.
Other names: c.1312G>A, p.Asp438Asn (NM_001005374.4, NM_001190723.3, NM_001384142.1 and 2 more transcripts); c.523G>A, p.Asp175Asn (NM_001384144.1); short protein forms D438N, D175N.
Identifiers: ClinVar variation 1769703 (VCV001769703.2), dbSNP rs778245433, ClinGen allele CA5246928.

ClinVar aggregate classification (germline): Uncertain significance (1 of 4 stars; one submission).

Conditions:
Inborn genetic diseases. Identifiers: MedGen C0950123, MeSH D030342.

Allele frequency attached by ClinVar (database versions not stated): gnomAD exomes below 0.00001; ExAC 0.00001.
gnomAD v4.1: 1 of 1,613,704 alleles (0.000062%); highest among the groups gnomAD compares: Admixed American, 0.0017%; no homozygotes.

Submission:

Ambry Genetics
Classification: Uncertain significance for Inborn genetic diseases. Last evaluated: 2022-01-04. Review status: criteria provided, single submitter. Criteria: Ambry Variant Classification Scheme 2023. Collection method: clinical testing. Allele origin: germline.
Comment: The p.D438N variant (also known as c.1312G>A), located in coding exon 16 of the LRSAM1 gene, results from a G to A substitution at nucleotide position 1312. The aspartic acid at codon 438 is replaced by asparagine, an amino acid with highly similar properties. This amino acid position is conserved. In addition, this alteration is predicted to be tolerated by in silico analysis. Since supporting evidence is limited at this time, the clinical significance of this alteration remains unclear.